The following is an entry in ClinVar:

NM_032444.4(SLX4):c.1084G>C (p.Val362Leu)

Gene: SLX4 (SLX4 structure-specific endonuclease subunit; minus strand). Cytogenetic location: 16p13.3.
Variant type: single nucleotide variant.
Coding change: c.1084G>C on transcript NM_032444.4 (MANE Select); coding-DNA position 1084, G replaced by C.
Protein change: p.Val362Leu; replaces valine 362 with leucine.
Molecular consequence: missense variant.
Genome position (GRCh38, 1-based): chr16:3,601,058, C>G on the plus strand (G>C on the coding strand, the complement: SLX4 is on the minus strand). VCF-style: chr16-3601058-C-G. GRCh37 (hg19) VCF-style: chr16-3651059-C-G.
Other names: c.1084G>C (NM_032444.2); short protein forms V362L.
Identifiers: ClinVar variation 1043598 (VCV001043598.9), dbSNP rs2040721687, ClinGen allele CA394531549.

ClinVar aggregate classification (germline): Uncertain significance. Review status: criteria provided, multiple submitters, no conflicts (2 of 4 stars). 2 submissions from 2 submitters: Uncertain significance (2). Last evaluated 2021-09-01.

Conditions:
Inborn genetic diseases. Identifiers: MedGen C0950123, MeSH D030342.
Fanconi anemia (FA). Also called: Fanconi's anemia. Identifiers: Orphanet 84, MedGen C0015625, MeSH D005199, MONDO:0019391.

Submissions (2):

Ambry Genetics
Classification: Uncertain significance for Inborn genetic diseases. Last evaluated: 2021-09-01. Review status: criteria provided, single submitter. Criteria: Ambry Variant Classification Scheme 2023. Collection method: clinical testing. Allele origin: germline.

Labcorp Genetics (formerly Invitae), Labcorp
Classification: Uncertain significance for Fanconi anemia. Last evaluated: 2020-10-07. Review status: criteria provided, single submitter. Criteria: Invitae Variant Classification Sherloc (09022015). Collection method: clinical testing. Allele origin: germline.
Comment: In summary, the available evidence is currently insufficient to determine the role of this variant in disease. Therefore, it has been classified as a Variant of Uncertain Significance. Algorithms developed to predict the effect of missense changes on protein structure and function are either unavailable or do not agree on the potential impact of this missense change (SIFT: "Deleterious"; PolyPhen-2: "Possibly Damaging"; Align-GVGD: "Class C0"). This variant has not been reported in the literature in individuals with SLX4-related conditions. This variant is not present in population databases (ExAC no frequency). This sequence change replaces valine with leucine at codon 362 of the SLX4 protein (p.Val362Leu). The valine residue is moderately conserved and there is a small physicochemical difference between valine and leucine.